The following is an entry in ClinVar:

NM_015346.4(ZFYVE26):c.1397T>A (p.Leu466Ter)

Gene: ZFYVE26 (zinc finger FYVE-type containing 26; minus strand). Cytogenetic location: 14q24.1.
Variant type: single nucleotide variant.
Coding change: c.1397T>A on transcript NM_015346.4 (MANE Select); coding-DNA position 1397, T replaced by A.
Protein change: p.Leu466Ter; replaces leucine 466 with a stop codon.
Molecular consequence: nonsense.
Genome position (GRCh38, 1-based): chr14:67,804,139, A>T on the plus strand (T>A on the coding strand, the complement: ZFYVE26 is on the minus strand). VCF-style: chr14-67804139-A-T. GRCh37 (hg19) VCF-style: chr14-68270856-A-T.
Other names: short protein forms L466*.
Identifiers: ClinVar variation 1724028 (VCV001724028.2), dbSNP rs2502871382, ClinGen allele CA390176734.

ClinVar aggregate classification (germline): Likely pathogenic (1 of 4 stars; one submission).

Conditions:
Hereditary spastic paraplegia 15 (SPG15). Also called: SPASTIC PARAPLEGIA 15, AUTOSOMAL RECESSIVE; KJELLIN SYNDROME; SPASTIC PARAPLEGIA AND RETINAL DEGENERATION. Identifiers: Orphanet 100996, MedGen C1849128, MONDO:0010044, OMIM 270700.

Submission:

Myriad Genetics, Inc.
Classification: Likely pathogenic for Hereditary spastic paraplegia 15. Last evaluated: 2022-01-24. Review status: criteria provided, single submitter. Criteria: Myriad Women's Health Autosomal Recessive and X-Linked Classification Criteria (2021). Collection method: clinical testing. Allele origin: unknown.
Comment: NM_015346.3(ZFYVE26):c.1397T>A(L466*) is expected to be pathogenic in the context of spastic paraplegia type 15. This variant is predicted to lead to an abnormal or absent protein product due to the creation of a premature termination codon in ZFYVE26, a gene where loss-of-function variants are known to be pathogenic. Please note: this variant was assessed in the context of healthy population screening.